The following is an entry in ClinVar:

NM_025144.4(ALPK1):c.74C>T (p.Ala25Val)

Gene: ALPK1 (alpha kinase 1; plus strand). Cytogenetic location: 4q25.
Variant type: single nucleotide variant.
Coding change: c.74C>T on transcript NM_025144.4 (MANE Select); coding-DNA position 74, C replaced by T.
Protein change: p.Ala25Val; replaces alanine 25 with valine.
Molecular consequence: missense variant. On other transcripts: 5 prime UTR variant (1).
Genome position (GRCh38, 1-based): chr4:112,377,851, C>T. VCF-style: chr4-112377851-C-T. GRCh37 (hg19) VCF-style: chr4-113299007-C-T.
Other names: c.74C>T, p.Ala25Val (NM_001102406.2); c.-6C>T (NM_001253884.2); c.74C>T (NM_001102406.1); short protein forms A25V.
Identifiers: ClinVar variation 2190319 (VCV002190319.5), dbSNP rs369223684, ClinGen allele CA3046239.

ClinVar aggregate classification (germline): Uncertain significance. Review status: criteria provided, multiple submitters, no conflicts (2 of 4 stars). 2 submissions from 2 submitters: Uncertain significance (2). Last evaluated 2026-07-16.

Conditions:
ALPK1-related disorder. Also called: ALPK1-related condition.

Allele frequency attached by ClinVar (database versions not stated): ExAC 0.00002; gnomAD exomes 0.00002.
gnomAD v4.1: 28 of 1,613,222 alleles (0.0017%); highest among the groups gnomAD compares: Admixed American, 0.0083%; no homozygotes.

Submissions (2):

PreventionGenetics, part of Exact Sciences
Classification: Uncertain significance for ALPK1-related condition. Last evaluated: 2026-07-16. Review status: criteria provided, single submitter. Criteria: ACMG Guidelines, 2015. Collection method: clinical testing. Allele origin: germline.
Comment: The ALPK1 c.74C>T variant is predicted to result in the amino acid substitution p.Ala25Val. To our knowledge, this variant has not been reported in the literature. This variant is reported in 0.016% of alleles in individuals of East Asian descent in gnomAD. Although we suspect that this variant may be benign, at this time, the clinical significance of this variant is uncertain due to the absence of conclusive functional and genetic evidence.

Labcorp Genetics (formerly Invitae), Labcorp
Classification: Uncertain significance. Last evaluated: 2025-12-30. Review status: criteria provided, single submitter. Criteria: Invitae Variant Classification Sherloc (09022015). Collection method: clinical testing. Allele origin: germline.
Comment: This sequence change replaces alanine, which is neutral and non-polar, with valine, which is neutral and non-polar, at codon 25 of the ALPK1 protein (p.Ala25Val). This variant is present in population databases (rs369223684, gnomAD 0.02%). This variant has not been reported in the literature in individuals affected with ALPK1-related conditions. This missense change has been observed in at least one individual who was not affected with ALPK1-related conditions (internal data). ClinVar contains an entry for this variant (Variation ID: 2190319). An algorithm developed to predict the effect of missense changes on protein structure and function (PolyPhen-2) suggests that this variant is likely to be tolerated. In summary, the available evidence is currently insufficient to determine the role of this variant in disease. Therefore, it has been classified as a Variant of Uncertain Significance.